The following is an entry in ClinVar:

NM_020975.6(RET):c.2945G>A (p.Arg982His)

Gene: RET (ret proto-oncogene; plus strand). Cytogenetic location: 10q11.21.
Variant type: single nucleotide variant.
Coding change: c.2945G>A on transcript NM_020975.6 (MANE Select); coding-DNA position 2945, G replaced by A.
Protein change: p.Arg982His; replaces arginine 982 with histidine.
Molecular consequence: missense variant.
Genome position (GRCh38, 1-based): chr10:43,124,888, G>A. VCF-style: chr10-43124888-G-A. GRCh37 (hg19) VCF-style: chr10-43620336-G-A.
Other names: c.2945G>A, p.Arg982His (NM_000323.2, NM_001406743.1, NM_001406744.1 and 4 more transcripts); c.2183G>A, p.Arg728His (NM_001355216.2); c.2816G>A, p.Arg939His (NM_001406761.1, NM_001406762.1, NM_001406764.1); c.2810G>A, p.Arg937His (NM_001406763.1, NM_001406765.1); c.2219G>A, p.Arg740His (NM_001406776.1, NM_001406777.1, NM_001406778.1 and 1 more transcripts); c.2048G>A, p.Arg683His (NM_001406779.1, NM_001406780.1, NM_001406781.1 and 1 more transcripts); c.1919G>A, p.Arg640His (NM_001406783.1, NM_001406786.1); c.1955G>A, p.Arg652His (NM_001406784.1); and 10 more; short protein forms R982H, R728H, R640H, R643H, R740H, R836H, R547H, R638H.
Identifiers: ClinVar variation 477359 (VCV000477359.29), dbSNP rs368550200, ClinGen allele CA041809.

ClinVar aggregate classification (germline): Conflicting classifications of pathogenicity. Review status: criteria provided, conflicting classifications (1 of 4 stars). 7 submissions from 7 submitters: Uncertain significance (5); Likely benign (2). Last evaluated 2026-02-02.

Conditions:
Hereditary cancer-predisposing syndrome. Also called: Hereditary Cancer Syndrome; Hereditary neoplastic syndrome; Tumor predisposition; Neoplastic Syndromes, Hereditary. Identifiers: Orphanet 140162, MedGen C0027672, MeSH D009386, MONDO:0015356.
Congenital central hypoventilation. Also called: Congenital Central Hypoventilation Syndrome. Identifiers: Orphanet 661, Orphanet 99803, MedGen C1275808, MONDO:0800031. Disease mechanism: gain of function.
Familial medullary thyroid carcinoma (MTC). Also called: Familial Medullary Thyroid Carcinoma (FMTC); Thyroid cancer, familial medullary; MTC, familial. Identifiers: Orphanet 653, Orphanet 99361, MedGen C1833921, MONDO:0007958, OMIM 155240.
Pheochromocytoma. Also called: MAX-Related Hereditary Paraganglioma-Pheochromocytoma Syndrome. Identifiers: Orphanet 29072, MedGen C0031511, MONDO:0008233, OMIM 171300, HP:0002666.
Multiple endocrine neoplasia type 2A. Also called: Multiple Endocrine Neoplasia Type 2A (MEN2A); MULTIPLE ENDOCRINE NEOPLASIA, TYPE IIA; PTC SYNDROME; SIPPLE SYNDROME; MEN 2A; MEN-2A syndrome. Identifiers: Orphanet 247698, Orphanet 653, MedGen C0025268, MeSH D018813, MONDO:0008234, OMIM 171400.
Hirschsprung disease, susceptibility to, 1 (HSCR1). Also called: RET-Related Hirschsprung Disease. Identifiers: Orphanet 388, MedGen C3888239, MONDO:0007723, OMIM 142623.
Multiple endocrine neoplasia type 2B. Also called: WAGENMANN-FROBOESE SYNDROME; MULTIPLE ENDOCRINE NEOPLASIA, TYPE III; MUCOSAL NEUROMA SYNDROME; Multiple Endocrine Neoplasia Type 2B (MEN2B); Multiple endocrine neoplasia, type 3; MULTIPLE ENDOCRINE NEOPLASIA, TYPE IIB. Identifiers: Orphanet 247709, Orphanet 653, MedGen C0025269, MeSH D018814, MONDO:0008082, OMIM 162300.
Multiple endocrine neoplasia, type 2 (MEN2). Identifiers: Orphanet 653, MedGen C4048306, MONDO:0019003. Disease mechanism: gain of function.

Allele frequency attached by ClinVar (database versions not stated): gnomAD 0.00001; TOPMed 0.00003; ExAC 0.00008.
gnomAD v4.1: 27 of 1,613,794 alleles (0.0017%); highest among the groups gnomAD compares: East Asian, 0.025%; no homozygotes.

Submissions (7):

Labcorp Genetics (formerly Invitae), Labcorp
Classification: Uncertain significance for Multiple endocrine neoplasia, type 2. Last evaluated: 2026-02-02. Review status: criteria provided, single submitter. Criteria: Invitae Variant Classification Sherloc (09022015). Collection method: clinical testing. Allele origin: germline.
Comment: This sequence change replaces arginine, which is basic and polar, with histidine, which is basic and polar, at codon 982 of the RET protein (p.Arg982His). This variant is present in population databases (rs368550200, gnomAD 0.06%), and has an allele count higher than expected for a pathogenic variant. This missense change has been observed in individual(s) with medullary thyroid cancer (PMID: 33827484). ClinVar contains an entry for this variant (Variation ID: 477359). An algorithm developed to predict the effect of missense changes on protein structure and function (PolyPhen-2) suggests that this variant is likely to be tolerated. In summary, the available evidence is currently insufficient to determine the role of this variant in disease. Therefore, it has been classified as a Variant of Uncertain Significance.

Color Diagnostics, LLC DBA Color Health
Classification: Likely benign for Multiple endocrine neoplasia, type 2. Last evaluated: 2024-04-11. Review status: criteria provided, single submitter. Criteria: ACMG Guidelines, 2015. Collection method: clinical testing. Allele origin: germline.

All of Us Research Program, National Institutes of Health
Classification: Uncertain significance for Multiple endocrine neoplasia, type 2. Last evaluated: 2023-06-27. Review status: criteria provided, single submitter. Criteria: ACMG Guidelines, 2015. Collection method: clinical testing. Allele origin: germline. Inheritance: Autosomal dominant inheritance. Observed: 4 variant alleles, 4 heterozygotes.
Comment: This study involves interpretation of variants in research participants for the purpose of population health screening. Participant phenotype was not available at the time of variant classification. Additional details can be found in publication PMID: 35346344, PMCID: PMC8962531

GeneDx
Classification: Uncertain significance. Last evaluated: 2023-06-20. Review status: criteria provided, single submitter. Criteria: GeneDx Variant Classification Process June 2021. Collection method: clinical testing. Allele origin: germline.
Comment: In silico analysis supports that this missense variant does not alter protein structure/function; Observed in an individual with medullary thyroid cancer (Qi et al., 2021); This variant is associated with the following publications: (PMID: 14633923, 33827484)

Sema4
Classification: Uncertain significance for Hereditary cancer-predisposing syndrome. Last evaluated: 2021-08-10. Review status: criteria provided, single submitter. Criteria: Sema4 Curation Guidelines. Collection method: curation. Allele origin: germline.
Comment: The RET c.2945G>A (p.R982H) variant has been reported in heterozygosity in at least one individual with medullary thyroid carcinoma (PMID: 33827484). It was observed in 11/18394 chromosomes of the East Asian subpopulation, with no homozygotes, in the large and broad cohorts of the Genome Aggregation Database (PMID: 32461654). The variant has been reported in ClinVar (Variation ID 477359). Functional studies have not been performed, and in silico predictions of the variant's effect on protein function are inconclusive. The evidence is insufficient to meet ACMG/AMP criteria for classifying the variant as benign or pathogenic. Thus, the clinical significance of this variant is currently uncertain.

Fulgent Genetics
Classification: Uncertain significance for Hirschsprung disease, susceptibility to, 1; Familial medullary thyroid carcinoma; Multiple endocrine neoplasia type 2B; Pheochromocytoma; Multiple endocrine neoplasia type 2A; Central hypoventilation syndrome, congenital, 1, with or without Hirschsprung disease. Last evaluated: 2018-10-31. Review status: criteria provided, single submitter. Criteria: ACMG Guidelines, 2015. Collection method: clinical testing. Allele origin: unknown.

Ambry Genetics
Classification: Likely benign for Hereditary cancer-predisposing syndrome. Last evaluated: 2018-01-25. Review status: criteria provided, single submitter. Criteria: Ambry Variant Classification Scheme 2023. Collection method: clinical testing. Allele origin: germline.

Literature cited by the submitters: PubMed 33827484 (cited by Labcorp Genetics (formerly Invitae), Labcorp and Sema4).